The following is an entry in ClinVar:

NM_000426.4(LAMA2):c.9195_9198dup (p.Gly3067fs)

Gene: LAMA2 (laminin subunit alpha 2; plus strand). Cytogenetic location: 6q22.33.
Variant type: Microsatellite.
Coding change: c.9195_9198dup on transcript NM_000426.4 (MANE Select); coding-DNA positions 9195 to 9198, 4 bases duplicated (TGTT; older notation c.9195_9198dupTGTT).
Protein change: p.Gly3067fs; shifts the reading frame from glycine 3067.
Molecular consequence: frameshift variant.
Genome position (GRCh38, 1-based): chr6:129,514,579-129,514,582, TGTT duplicated; duplicating any 4 consecutive bases within chr6:129,514,575-129,514,582 gives the same sequence; the c. name uses the placement nearest the transcript's 3' end. VCF-style (leftmost placement, unchanged base first): chr6-129514574-G-GTGTT. GRCh37 (hg19) VCF-style: chr6-129835719-G-GTGTT.
Other names: c.9195_9198dup (NM_000426.3); c.9183_9186dup, p.Gly3063fs (NM_001079823.2); short protein forms G3063fs, G3067fs.
Identifiers: ClinVar variation 1075458 (VCV001075458.11), dbSNP rs2114939917, ClinGen allele CA2578738079.

ClinVar aggregate classification (germline): Pathogenic/Likely pathogenic. Review status: criteria provided, multiple submitters, no conflicts (2 of 4 stars). 2 submissions from 2 submitters: Pathogenic (1); Likely pathogenic (1). Last evaluated 2023-07-21.

Conditions:
LAMA2-related muscular dystrophy (LAMA2-RD). Also called: Laminin alpha 2-related dystrophy. Identifiers: MedGen C5679788, MONDO:0100228.

Submissions (2):

Labcorp Genetics (formerly Invitae), Labcorp
Classification: Pathogenic for LAMA2-related muscular dystrophy. Last evaluated: 2023-07-21. Review status: criteria provided, single submitter. Criteria: Invitae Variant Classification Sherloc (09022015). Collection method: clinical testing. Allele origin: germline.
Comment: This sequence change creates a premature translational stop signal (p.Gly3067Cysfs*7) in the LAMA2 gene. While this is not anticipated to result in nonsense mediated decay, it is expected to disrupt the last 56 amino acid(s) of the LAMA2 protein. This variant is not present in population databases (gnomAD no frequency). For these reasons, this variant has been classified as Pathogenic. This variant has not been reported in the literature in individuals affected with LAMA2-related conditions. ClinVar contains an entry for this variant (Variation ID: 1075458). This variant disrupts a region of the LAMA2 protein in which other variant(s) (p.Thr3080Asnfs*2) have been determined to be pathogenic (PMID: 20207543). This suggests that this is a clinically significant region of the protein, and that variants that disrupt it are likely to be disease-causing.

Revvity Omics, Revvity
Classification: Likely pathogenic. Last evaluated: 2022-06-05. Review status: criteria provided, single submitter. Criteria: ACMG Guidelines, 2015. Collection method: clinical testing. Allele origin: germline.

Literature cited by the submitters: PubMed 20207543 (cited by Labcorp Genetics (formerly Invitae), Labcorp).